The following is an entry in ClinVar:

NM_001384743.1(AMZ1):c.697G>A (p.Gly233Ser)

Gene: AMZ1 (archaelysin family metallopeptidase 1; plus strand). Cytogenetic location: 7p22.3.
Variant type: single nucleotide variant.
Coding change: c.697G>A on transcript NM_001384743.1 (MANE Select); coding-DNA position 697, G replaced by A.
Protein change: p.Gly233Ser; replaces glycine 233 with serine.
Molecular consequence: missense variant. On other transcripts: intron variant (3).
Genome position (GRCh38, 1-based): chr7:2,709,170, G>A. VCF-style: chr7-2709170-G-A. GRCh37 (hg19) VCF-style: chr7-2748804-G-A.
Other names: c.697G>A, p.Gly233Ser (NM_001321766.2, NM_001384739.1, NM_001384740.1 and 1 more transcripts); c.601+454G>A (NM_001384742.1, NM_001384741.1, NM_001284355.4); short protein forms G233S.
Identifiers: ClinVar variation 3388244 (VCV003388244.14).

ClinVar aggregate classification (germline): Benign (1 of 4 stars; one submission).

Submission:

CeGaT Center for Human Genetics Tuebingen
Classification: Benign. Last evaluated: 2024-09-01. Review status: criteria provided, single submitter. Criteria: CeGaT Center For Human Genetics Tuebingen Variant Classification Criteria Version 2. Collection method: clinical testing. Allele origin: germline. Affected: yes. Observed: 1 variant allele.
Comment: AMZ1: BP4, BS1, BS2